The following is an entry in ClinVar:

NM_022436.3(ABCG5):c.661A>G (p.Thr221Ala)

Genes: ABCG5 (ATP binding cassette subfamily G member 5; minus strand), DYNC2LI1 (dynein cytoplasmic 2 light intermediate chain 1; plus strand). Cytogenetic location: 2p21.
Variant type: single nucleotide variant.
Coding change: c.661A>G on transcript NM_022436.3 (MANE Select); coding-DNA position 661, A replaced by G.
Protein change: p.Thr221Ala; replaces threonine 221 with alanine.
Molecular consequence: missense variant. On other transcripts: intron variant (2).
Genome position (GRCh38, 1-based): chr2:43,826,495, T>C on the plus strand (A>G on the coding strand, the complement: ABCG5 is on the minus strand). VCF-style: chr2-43826495-T-C. GRCh37 (hg19) VCF-style: chr2-44053634-T-C.
Other names: c.*16-891T>C (NM_001348913.2, NM_001348912.2); short protein forms T221A.
Identifiers: ClinVar variation 3887667 (VCV003887667.1).

ClinVar aggregate classification (germline): Uncertain significance (1 of 4 stars; one submission).

Conditions:
Cardiovascular phenotype. Identifiers: MedGen CN230736.

gnomAD v4.1: 1 of 1,614,168 alleles (0.000062%); highest among the groups gnomAD compares: Non-Finnish European, 0.000085%; no homozygotes.

Submission:

Ambry Genetics
Classification: Uncertain significance for Cardiovascular phenotype. Last evaluated: 2025-03-14. Review status: criteria provided, single submitter. Criteria: Ambry Variant Classification Scheme 2023. Collection method: clinical testing. Allele origin: germline.
Comment: The p.T221A variant (also known as c.661A>G), located in coding exon 6 of the ABCG5 gene, results from an A to G substitution at nucleotide position 661. The threonine at codon 221 is replaced by alanine, an amino acid with similar properties. This amino acid position is conserved. In addition, the in silico prediction for this alteration is inconclusive. Based on the available evidence, the clinical significance of this variant remains unclear.